The following is an entry in ClinVar:

NM_001276270.2(MBD4):c.414AGA[1] (p.Glu139del)

Gene: MBD4 (methyl-CpG binding domain 4, DNA glycosylase; minus strand). Cytogenetic location: 3q21.3.
Variant type: Microsatellite.
Coding change: c.414AGA[1] on transcript NM_001276270.2 (MANE Select); one copy of the 3-base unit AGA starting at c.414; the reference has two copies in a row; one copy, 3 bases deleted.
Protein change: p.Glu139del; deletes glutamic acid 139.
Molecular consequence: inframe deletion. On other transcripts: intron variant (1).
Genome position (GRCh38, 1-based): chr3:129,437,225-129,437,227, TCT deleted on the plus strand (AGA on the coding strand, the reverse complement: MBD4 is on the minus strand); deleting any 3 consecutive bases within chr3:129,437,225-129,437,230 gives the same sequence; the position shown is the placement nearest the transcript's 3' end. VCF-style (leftmost placement, unchanged base first): chr3-129437224-ATCT-A. GRCh37 (hg19) VCF-style: chr3-129156067-ATCT-A.
Other names: c.417_419delAGA (NM_001276270.2); c.414AGA[1], p.Glu139del (NM_001276271.2, NM_001276272.2, NM_003925.3); c.247+581_247+583del (NM_001276273.2); short protein forms E139del.
Identifiers: ClinVar variation 2794770 (VCV002794770.4), dbSNP rs1336890117, ClinGen allele CA898764359.
Genomic context (GRCh38, chr3:129,437,224, plus strand): 5'-CATGCTGCAGTCTTTATATCTTGACTTGATACCCCTTTTAGAAAGTACAGTAAAATCAAA[ATCT>A]TCTGGCTTAAGAGAAGTCTCTCCATTTTTGTGAAGATAATTAGCAAGTGAACTTTTGGAT-3'

ClinVar aggregate classification (germline): Uncertain significance. Review status: criteria provided, multiple submitters, no conflicts (2 of 4 stars). 2 submissions from 2 submitters: Uncertain significance (2). Last evaluated 2025-03-18.

Conditions:
Inborn genetic diseases. Identifiers: MedGen C0950123, MeSH D030342.

Submissions (2):

Labcorp Genetics (formerly Invitae), Labcorp
Classification: Uncertain significance. Last evaluated: 2025-03-18. Review status: criteria provided, single submitter. Criteria: Invitae Variant Classification Sherloc (09022015). Collection method: clinical testing. Allele origin: germline.
Comment: This variant, c.417_419del, results in the deletion of 1 amino acid(s) of the MBD4 protein (p.Glu139del), but otherwise preserves the integrity of the reading frame. This variant is not present in population databases (gnomAD no frequency). This variant has not been reported in the literature in individuals affected with MBD4-related conditions. Experimental studies and prediction algorithms are not available or were not evaluated, and the functional significance of this variant is currently unknown. Algorithms developed to predict the effect of sequence changes on RNA splicing suggest that this variant may disrupt the consensus splice site. In summary, the available evidence is currently insufficient to determine the role of this variant in disease. Therefore, it has been classified as a Variant of Uncertain Significance.

Ambry Genetics
Classification: Uncertain significance for Inborn genetic diseases. Last evaluated: 2025-01-21. Review status: criteria provided, single submitter. Criteria: Ambry Variant Classification Scheme 2023. Collection method: clinical testing. Allele origin: germline.
Comment: The c.417_419delAGA variant (also known as p.E139del) is located in coding exon 3 of the MBD4 gene. This variant results from an in-frame AGA deletion at nucleotide positions 417 to 419. This results in the in-frame deletion of a glutamic acid at codon 139. This amino acid position is well conserved in available vertebrate species. In addition, the in silico prediction for this alteration is inconclusive (Choi Y et al. PLoS ONE. 2012; 7(10):e46688). Based on the available evidence, the clinical significance of this variant remains unclear.